The following is an entry in ClinVar:

NM_001407.3(CELSR3):c.8753G>A (p.Arg2918Gln)

Gene: CELSR3 (cadherin EGF LAG seven-pass G-type receptor 3; minus strand). Cytogenetic location: 3p21.31.
Variant type: single nucleotide variant.
Coding change: c.8753G>A on transcript NM_001407.3 (MANE Select); coding-DNA position 8753, G replaced by A.
Protein change: p.Arg2918Gln; replaces arginine 2918 with glutamine.
Molecular consequence: missense variant.
Genome position (GRCh38, 1-based): chr3:48,641,922, C>T on the plus strand (G>A on the coding strand, the complement: CELSR3 is on the minus strand). VCF-style: chr3-48641922-C-T. GRCh37 (hg19) VCF-style: chr3-48679355-C-T.
Other names: short protein forms R2918Q.
Identifiers: ClinVar variation 2653797 (VCV002653797.24), dbSNP rs780586975, ClinGen allele CA2383746.
Genomic context (GRCh38, chr3:48,641,922, plus strand): 5'-GTGAGGAGCCTCTCACTCTGGGCTGCTCGGCAGAGTGGCCGTTGGAAGCGCCCCCGCGTC[C>T]GGCCATTGTCCTCGCTTTCTGAAGATGGAATGGAGAGACTCCTCTCCTCCTCCAAGGACA-3'
Protein context (NP_001398.2, residues 2908-2928): IPSSESEDNG[Arg2918Gln]TRGRFQRPLC

ClinVar aggregate classification (germline): Uncertain significance (1 of 4 stars; one submission).

Allele frequency attached by ClinVar (database versions not stated): gnomAD 0.00001; ExAC 0.00007.
gnomAD v4.1: 22 of 1,599,268 alleles (0.0014%); highest among the groups gnomAD compares: South Asian, 0.01%; no homozygotes.

Submission:

CeGaT Center for Human Genetics Tuebingen
Classification: Uncertain significance. Last evaluated: 2022-07-01. Review status: criteria provided, single submitter. Criteria: CeGaT Center For Human Genetics Tuebingen Variant Classification Criteria Version 2. Collection method: clinical testing. Allele origin: germline. Affected: yes. Observed: 1 variant allele.
Comment: CELSR3: PP2